The following is an entry in ClinVar:

ClinVar aggregate classification (germline): Pathogenic (1 of 4 stars; one submission).

Submission:

Labcorp Genetics (formerly Invitae), Labcorp
Classification: Pathogenic. Last evaluated: 2023-10-08. Review status: criteria provided, single submitter. Criteria: Invitae Variant Classification Sherloc (09022015). Collection method: clinical testing. Allele origin: unknown.
Comment: A gross deletion of the genomic region encompassing the full coding sequence of the CHAMP1 gene has been identified. Loss-of-function variants in CHAMP1 are known to be pathogenic (PMID: 26340335, 26751395, 27148580). The boundaries of this event are unknown as they extend beyond the assayed region for this gene and therefore may encompass additional genes. Isolated whole-gene deletions of CHAMP1 have not been reported in the literature. However, larger copy number events that include this gene have been reported (PMID: 31321490). For these reasons, this variant has been classified as Pathogenic.

Literature cited by the submitters: PubMed 26340335; PubMed 26751395; PubMed 27148580; PubMed 31321490.

NC_000013.10:g.(?_115078383)_(115109878_?)del

Gene: CHAMP1 (chromosome alignment maintaining phosphoprotein 1; plus strand). Cytogenetic location: 13q34.
Variant type: Deletion.
Identifiers: ClinVar variation 3244202 (VCV003244202.1).